The following is an entry in ClinVar:

NM_001105206.3(LAMA4):c.4436G>A (p.Arg1479His)

Gene: LAMA4 (laminin subunit alpha 4; minus strand). Cytogenetic location: 6q21.
Variant type: single nucleotide variant.
Coding change: c.4436G>A on transcript NM_001105206.3 (MANE Select); coding-DNA position 4436, G replaced by A.
Protein change: p.Arg1479His; replaces arginine 1479 with histidine.
Molecular consequence: missense variant.
Genome position (GRCh38, 1-based): chr6:112,122,053, C>T on the plus strand (G>A on the coding strand, the complement: LAMA4 is on the minus strand). VCF-style: chr6-112122053-C-T. GRCh37 (hg19) VCF-style: chr6-112443256-C-T.
Other names: c.4415G>A, p.Arg1472His (NM_001105207.3, NM_002290.5); short protein forms R1472H, R1479H.
Identifiers: ClinVar variation 44389 (VCV000044389.22), dbSNP rs140346737, ClinGen allele CA134044.

ClinVar aggregate classification (germline): Conflicting classifications of pathogenicity. Review status: criteria provided, conflicting classifications (1 of 4 stars). 5 submissions from 5 submitters: Uncertain significance (2); Likely benign (2). 1 of the submissions does not count toward it. Last evaluated 2025-09-23.

Conditions:
LAMA4-related disorder. Also called: LAMA4-related condition.
Cardiovascular phenotype. Identifiers: MedGen CN230736.
Dilated cardiomyopathy 1JJ (CMD1JJ). Identifiers: Orphanet 154, MedGen C3808935, MONDO:0014095, OMIM 615235.

Allele frequency attached by ClinVar (database versions not stated): ExAC 0.00010; TOPMed 0.00023; gnomAD 0.00026 and 0.00028; ESP Exome Variant Server 0.00038; 1000 Genomes Project 30x 0.00078; 1000 Genomes Project 0.00080; gnomAD exomes 0.00005 and 0.00006.
gnomAD v4.1: 122 of 1,613,912 alleles (0.0076%); highest among the groups gnomAD compares: African/African-American, 0.073%; no homozygotes.

Submissions (5):

Labcorp Genetics (formerly Invitae), Labcorp
Classification: Likely benign for Dilated cardiomyopathy 1JJ. Last evaluated: 2025-09-23. Review status: criteria provided, single submitter. Criteria: Invitae Variant Classification Sherloc (09022015). Collection method: clinical testing. Allele origin: germline.

GeneDx
Classification: Uncertain significance. Last evaluated: 2025-03-21. Review status: criteria provided, single submitter. Criteria: GeneDx Variant Classification Process June 2021. Collection method: clinical testing. Allele origin: germline. Affected: yes.
Comment: In silico analysis indicates that this missense variant does not alter protein structure/function; This variant is associated with the following publications: (PMID: 28750076, 27532257)

Ambry Genetics
Classification: Likely benign for Cardiovascular phenotype. Last evaluated: 2021-08-20. Review status: criteria provided, single submitter. Criteria: Ambry Variant Classification Scheme 2023. Collection method: clinical testing. Allele origin: germline.

Laboratory for Molecular Medicine, Mass General Brigham Personalized Medicine
Classification: Uncertain significance. Last evaluated: 2012-05-31. Review status: criteria provided, single submitter. Criteria: LMM Criteria. Collection method: clinical testing. Allele origin: germline. Observed: 1 variant allele.
Comment: Variant classified as Uncertain Significance - Favor Benign. The Arg1472His vari ant in LAMA4 has been identified in 0.1% (4/3736) of African American chromosome s from a broad population by the NHLBI Exome Sequencing Project (dbSNP rs140346737). Computational analyses (biochemical amin o acid properties, conservation, AlignGVGD, PolyPhen2, and SIFT) do not provide strong support for or against an impact to the protein. While this frequency sug gests that this variant is more likely benign, it is too low to confidently rule out a disease causing role. Additional information is needed to fully assess it s clinical significance.

PreventionGenetics, part of Exact Sciences
Classification: Likely benign for LAMA4-related condition. Last evaluated: 2022-11-10. Review status: no assertion criteria provided. Collection method: clinical testing. Allele origin: germline. Not counted in ClinVar's aggregate classification.
Comment: This variant is classified as likely benign based on ACMG/AMP sequence variant interpretation guidelines (Richards et al. 2015 PMID: 25741868, with internal and published modifications).

Literature cited by the submitters: PubMed 27532257 (cited by Ambry Genetics); PubMed 28750076 (cited by Ambry Genetics).